The following is an entry in ClinVar:

NM_031433.4(MFRP):c.773-1G>C

Genes: C1QTNF5 (C1q and TNF related 5; minus strand), MFRP (membrane frizzled-related protein; minus strand). Cytogenetic location: 11q23.3.
Variant type: single nucleotide variant.
Coding change: c.773-1G>C on transcript NM_031433.4 (MANE Select); the canonical splice acceptor site of the intron before coding-DNA position 773, G replaced by C.
Molecular consequence: splice acceptor variant.
Genome position (GRCh38, 1-based): chr11:119,344,758, C>G on the plus strand (G>C on the coding strand, the complement: MFRP is on the minus strand). VCF-style: chr11-119344758-C-G. GRCh37 (hg19) VCF-style: chr11-119215468-C-G.
Other names: c.-1864-1G>C (NM_015645.5).
Identifiers: ClinVar variation 1502587 (VCV001502587.9), dbSNP rs1357854800, ClinGen allele CA382976952.

ClinVar aggregate classification (germline): Conflicting classifications of pathogenicity. Review status: criteria provided, conflicting classifications (1 of 4 stars). 2 submissions from 2 submitters: Likely pathogenic (1); Uncertain significance (1). Last evaluated 2025-12-03.

Conditions:
Isolated microphthalmia 5. Also called: Posterior Microphthalmia with Retinitis Pigmentosa, Foveoschisis, and Optic Disc Drusen. Identifiers: Orphanet 251279, MedGen C1970236, MONDO:0012605, OMIM 611040.

Allele frequency attached by ClinVar (database versions not stated): gnomAD exomes below 0.00001.
gnomAD v4.1: 1 of 1,613,968 alleles (0.000062%); highest among the groups gnomAD compares: Admixed American, 0.0017%; no homozygotes.

Submissions (2):

Dasa
Classification: Uncertain significance. Last evaluated: 2025-12-03. Review status: criteria provided, single submitter. Criteria: DASA Assertion Criteria. Collection method: clinical testing. Allele origin: germline.
Comment: NM_031433.4(MFRP):c.773-1G>C affects a canonical splice site and is predicted to disrupt normal RNA splicing. This variant is rare in population databases. The currently available literature and clinical evidence are not sufficient to establish a definitive association between this variant and the reported condition. Therefore, this variant is classified as a variant of uncertain significance.

Labcorp Genetics (formerly Invitae), Labcorp
Classification: Likely pathogenic for Isolated microphthalmia 5. Last evaluated: 2025-10-05. Review status: criteria provided, single submitter. Criteria: Invitae Variant Classification Sherloc (09022015). Collection method: clinical testing. Allele origin: germline.
Comment: This sequence change affects an acceptor splice site in intron 6 of the MFRP gene. It is expected to disrupt RNA splicing. Variants that disrupt the donor or acceptor splice site typically lead to a loss of protein function (PMID: 16199547), and loss-of-function variants in MFRP are known to be pathogenic (PMID: 12140190, 15976030, 20361016). This variant is not present in population databases (gnomAD no frequency). This variant has not been reported in the literature in individuals affected with MFRP-related conditions. ClinVar contains an entry for this variant (Variation ID: 1502587). Algorithms developed to predict the effect of sequence changes on RNA splicing suggest that this variant may disrupt the consensus splice site. In summary, the currently available evidence indicates that the variant is pathogenic, but additional data are needed to prove that conclusively. Therefore, this variant has been classified as Likely Pathogenic.

Literature cited by the submitters: PubMed 16199547 (cited by Labcorp Genetics (formerly Invitae), Labcorp); PubMed 12140190 (cited by Labcorp Genetics (formerly Invitae), Labcorp); PubMed 15976030 (cited by Labcorp Genetics (formerly Invitae), Labcorp); PubMed 20361016 (cited by Labcorp Genetics (formerly Invitae), Labcorp).